The following is an entry in ClinVar:

ClinVar aggregate classification (germline): Uncertain significance. Review status: criteria provided, multiple submitters, no conflicts (2 of 4 stars). 2 submissions from 2 submitters: Uncertain significance (2). Last evaluated 2025-08-14.

Conditions:
Inborn genetic diseases. Identifiers: MedGen C0950123, MeSH D030342.

Allele frequency attached by ClinVar (database versions not stated): gnomAD exomes below 0.00001 and 0.00001; ExAC 0.00002.
gnomAD v4.1: 2 of 1,607,920 alleles (0.00012%); highest among the groups gnomAD compares: Non-Finnish European, 0.00017%; no homozygotes.

Submissions (2):

Labcorp Genetics (formerly Invitae), Labcorp
Classification: Uncertain significance. Last evaluated: 2025-08-14. Review status: criteria provided, single submitter. Criteria: Invitae Variant Classification Sherloc (09022015). Collection method: clinical testing. Allele origin: germline.
Comment: This sequence change replaces serine, which is neutral and polar, with arginine, which is basic and polar, at codon 841 of the PLK4 protein (p.Ser841Arg). This variant is present in population databases (rs770357335, gnomAD 0.002%). This variant has not been reported in the literature in individuals affected with PLK4-related conditions. ClinVar contains an entry for this variant (Variation ID: 1000952). An algorithm developed to predict the effect of missense changes on protein structure and function (PolyPhen-2) suggests that this variant is likely to be tolerated. In summary, the available evidence is currently insufficient to determine the role of this variant in disease. Therefore, it has been classified as a Variant of Uncertain Significance.

Ambry Genetics
Classification: Uncertain significance for Inborn genetic diseases. Last evaluated: 2025-01-29. Review status: criteria provided, single submitter. Criteria: Ambry Variant Classification Scheme 2023. Collection method: clinical testing. Allele origin: germline.

NM_014264.5(PLK4):c.2523T>A (p.Ser841Arg)

Gene: PLK4 (polo like kinase 4; plus strand). Cytogenetic location: 4q28.1.
Variant type: single nucleotide variant.
Coding change: c.2523T>A on transcript NM_014264.5 (MANE Select); coding-DNA position 2523, T replaced by A.
Protein change: p.Ser841Arg; replaces serine 841 with arginine.
Molecular consequence: missense variant.
Genome position (GRCh38, 1-based): chr4:127,893,842, T>A. VCF-style: chr4-127893842-T-A. GRCh37 (hg19) VCF-style: chr4-128814997-T-A.
Other names: c.2523T>A (NM_014264.4); c.2427T>A, p.Ser809Arg (NM_001190799.2); c.2400T>A, p.Ser800Arg (NM_001190801.2); short protein forms S800R, S809R, S841R.
Identifiers: ClinVar variation 1000952 (VCV001000952.6), dbSNP rs770357335, ClinGen allele CA3077083.